The following is an entry in ClinVar:

NM_021620.4(PRDM13):c.856G>A (p.Ala286Thr)

Gene: PRDM13 (PR/SET domain 13; plus strand). Cytogenetic location: 6q16.2.
Variant type: single nucleotide variant.
Coding change: c.856G>A on transcript NM_021620.4 (MANE Select); coding-DNA position 856, G replaced by A.
Protein change: p.Ala286Thr; replaces alanine 286 with threonine.
Molecular consequence: missense variant.
Genome position (GRCh38, 1-based): chr6:99,613,491, G>A. VCF-style: chr6-99613491-G-A. GRCh37 (hg19) VCF-style: chr6-100061367-G-A.
Other names: short protein forms A286T.
Identifiers: ClinVar variation 1016493 (VCV001016493.8), dbSNP rs1770067815, ClinGen allele CA365116682.

ClinVar aggregate classification (germline): Uncertain significance (1 of 4 stars; one submission).

gnomAD v4.1: 4 of 1,528,584 alleles (0.00026%); highest among the groups gnomAD compares: Non-Finnish European, 0.00035%; no homozygotes.

Submission:

Labcorp Genetics (formerly Invitae), Labcorp
Classification: Uncertain significance. Last evaluated: 2020-10-15. Review status: criteria provided, single submitter. Criteria: Invitae Variant Classification Sherloc (09022015). Collection method: clinical testing. Allele origin: germline.
Comment: Algorithms developed to predict the effect of missense changes on protein structure and function (SIFT, PolyPhen-2, Align-GVGD) all suggest that this variant is likely to be tolerated, but these predictions have not been confirmed by published functional studies and their clinical significance is uncertain. In summary, the available evidence is currently insufficient to determine the role of this variant in disease. Therefore, it has been classified as a Variant of Uncertain Significance. This variant has not been reported in the literature in individuals with PRDM13-related conditions. The frequency data for this variant in the population databases is considered unreliable, as metrics indicate insufficient coverage at this position in the ExAC database. This sequence change replaces alanine with threonine at codon 286 of the PRDM13 protein (p.Ala286Thr). The alanine residue is moderately conserved and there is a small physicochemical difference between alanine and threonine.